The following is an entry in ClinVar:

ClinVar aggregate classification (germline): Uncertain significance (1 of 4 stars; one submission).

Submission:

Labcorp Genetics (formerly Invitae), Labcorp
Classification: Uncertain significance. Last evaluated: 2025-11-22. Review status: criteria provided, single submitter. Criteria: Invitae Variant Classification Sherloc (09022015). Collection method: clinical testing. Allele origin: germline.
Comment: This variant, c.4466_4468del, results in the deletion of 1 amino acid(s) of the AHDC1 protein (p.Ala1489del), but otherwise preserves the integrity of the reading frame. This variant is not present in population databases (gnomAD no frequency). This variant has not been reported in the literature in individuals affected with AHDC1-related conditions. Experimental studies and prediction algorithms are not available or were not evaluated, and the functional significance of this variant is currently unknown. In summary, the available evidence is currently insufficient to determine the role of this variant in disease. Therefore, it has been classified as a Variant of Uncertain Significance.

NM_001371928.1(AHDC1):c.4466_4468del (p.Ala1489del)

Gene: AHDC1 (AT-hook DNA binding motif containing 1; minus strand). Cytogenetic location: 1p36.11.
Variant type: Deletion.
Coding change: c.4466_4468del on transcript NM_001371928.1 (MANE Select); coding-DNA positions 4466 to 4468, 3 bases deleted (CTG; older notation c.4466_4468delCTG).
Protein change: p.Ala1489del; deletes alanine 1489.
Genome position (GRCh38, 1-based): chr1:27,547,648-27,547,650, CAG deleted on the plus strand (CTG on the coding strand, the reverse complement: AHDC1 is on the minus strand); deleting any 3 consecutive bases within chr1:27,547,648-27,547,651 gives the same sequence; the c. name uses the placement nearest the transcript's 3' end. VCF-style (leftmost placement, unchanged base first): chr1-27547647-TCAG-T. GRCh37 (hg19) VCF-style: chr1-27874158-TCAG-T.
Other names: c.4466_4468del, p.Ala1489del (NM_001029882.3); short protein forms A1489del.
Identifiers: ClinVar variation 4807661 (VCV004807661.1).